The following is an entry in ClinVar:

NM_000548.5(TSC2):c.3413G>C (p.Arg1138Pro)

Gene: TSC2 (TSC complex subunit 2; plus strand). Cytogenetic location: 16p13.3.
Variant type: single nucleotide variant.
Coding change: c.3413G>C on transcript NM_000548.5 (MANE Select); coding-DNA position 3413, G replaced by C.
Protein change: p.Arg1138Pro; replaces arginine 1138 with proline.
Molecular consequence: missense variant.
Genome position (GRCh38, 1-based): chr16:2,080,180, G>C. VCF-style: chr16-2080180-G-C. GRCh37 (hg19) VCF-style: chr16-2130181-G-C.
Other names: c.3281G>C, p.Arg1094Pro (NM_001077183.3, NM_001370404.1); c.3413G>C, p.Arg1138Pro (NM_001114382.3); c.3173G>C, p.Arg1058Pro (NM_001318827.2); c.3137G>C, p.Arg1046Pro (NM_001318829.2); c.2681G>C, p.Arg894Pro (NM_001318831.2); c.3314G>C, p.Arg1105Pro (NM_001318832.2); c.3284G>C, p.Arg1095Pro (NM_001363528.2, NM_001370405.1, NM_021055.3); short protein forms R1138P, R894P, R1058P, R1046P, R1094P, R1095P, R1105P.
Identifiers: ClinVar variation 486643 (VCV000486643.18), dbSNP rs143168379, ClinGen allele CA394288450.

ClinVar aggregate classification (germline): Conflicting classifications of pathogenicity. Review status: criteria provided, conflicting classifications (1 of 4 stars). 5 submissions from 5 submitters: Uncertain significance (4); Benign (1). Last evaluated 2025-07-25.

Conditions:
Hereditary cancer-predisposing syndrome. Also called: Tumor predisposition; Neoplastic Syndromes, Hereditary; Hereditary Cancer Syndrome; Hereditary neoplastic syndrome. Identifiers: Orphanet 140162, MedGen C0027672, MeSH D009386, MONDO:0015356.
Tuberous sclerosis syndrome (TSC). Also called: Tuberous Sclerosis Complex; Tuberous sclerosis. Identifiers: Orphanet 805, MedGen C0041341, MONDO:0001734.
Tuberous sclerosis 2 (TSC2). Identifiers: Orphanet 805, MedGen C1860707, MONDO:0013199, OMIM 613254.

Submissions (5):

Labcorp Genetics (formerly Invitae), Labcorp
Classification: Benign for Tuberous sclerosis 2. Last evaluated: 2025-07-25. Review status: criteria provided, single submitter. Criteria: Invitae Variant Classification Sherloc (09022015). Collection method: clinical testing. Allele origin: germline.

Color Diagnostics, LLC DBA Color Health
Classification: Uncertain significance for Tuberous sclerosis syndrome. Last evaluated: 2025-06-25. Review status: criteria provided, single submitter. Criteria: ACMG Guidelines, 2015. Collection method: clinical testing. Allele origin: germline.
Comment: This missense variant replaces arginine with proline at codon 1138 of the TSC2 protein. Computational prediction is inconclusive regarding the impact of this variant on protein structure and function. To our knowledge, functional studies have not been reported for this variant. This variant has not been reported in individuals affected with TSC2-related disorders in the literature. This variant has not been identified in the general population by the Genome Aggregation Database (gnomAD). The available evidence is insufficient to determine the role of this variant in disease conclusively. Therefore, this variant is classified as a Variant of Uncertain Significance.

Ambry Genetics
Classification: Uncertain significance for Hereditary cancer-predisposing syndrome. Last evaluated: 2024-08-26. Review status: criteria provided, single submitter. Criteria: Ambry Variant Classification Scheme 2023. Collection method: clinical testing. Allele origin: germline.
Comment: The p.R1138P variant (also known as c.3413G>C), located in coding exon 29 of the TSC2 gene, results from a G to C substitution at nucleotide position 3413. The arginine at codon 1138 is replaced by proline, an amino acid with dissimilar properties. This amino acid position is highly conserved in available vertebrate species. In addition, this alteration is predicted to be deleterious by in silico analysis. Since supporting evidence is limited at this time, the clinical significance of this alteration remains unclear.

All of Us Research Program, National Institutes of Health
Classification: Uncertain significance for Tuberous sclerosis syndrome. Last evaluated: 2024-03-05. Review status: criteria provided, single submitter. Criteria: ACMG Guidelines, 2015. Collection method: clinical testing. Allele origin: germline. Inheritance: Autosomal dominant inheritance. Observed: 1 variant allele, 1 heterozygote.
Comment: This study involves interpretation of variants in research participants for the purpose of population health screening. Participant phenotype was not available at the time of variant classification. Additional details can be found in publication PMID: 35346344, PMCID: PMC8962531

Genome-Nilou Lab
Classification: Uncertain significance for Tuberous sclerosis 2. Last evaluated: 2021-11-07. Review status: criteria provided, single submitter. Criteria: ACMG Guidelines, 2015. Collection method: clinical testing. Allele origin: germline. Affected: no.